The following is an entry in ClinVar:

ClinVar aggregate classification (germline): Uncertain significance (1 of 4 stars; one submission).

Submission:

GeneDx
Classification: Uncertain significance. Last evaluated: 2019-05-31. Review status: criteria provided, single submitter. Criteria: GeneDx Variant Classification Process June 2021. Collection method: clinical testing. Allele origin: germline. Affected: yes.
Comment: Not observed in large population cohorts (Lek et al., 2016); In silico analysis, which includes protein predictors and evolutionary conservation, supports a deleterious effect; Has not been previously published as pathogenic or benign to our knowledge

NM_006258.4(PRKG1):c.226C>T (p.Arg76Trp)

Gene: PRKG1 (protein kinase cGMP-dependent 1; plus strand). Cytogenetic location: 10q11.23.
Variant type: single nucleotide variant.
Coding change: c.226C>T on transcript NM_006258.4 (MANE Select); coding-DNA position 226, C replaced by T.
Protein change: p.Arg76Trp; replaces arginine 76 with tryptophan.
Molecular consequence: missense variant. On other transcripts: intron variant (1).
Genome position (GRCh38, 1-based): chr10:51,074,816, C>T. VCF-style: chr10-51074816-C-T. GRCh37 (hg19) VCF-style: chr10-52834576-C-T.
Other names: c.226C>T, p.Arg76Trp (NM_001374782.1); c.267-78348C>T (NM_001098512.3); short protein forms R76W.
Identifiers: ClinVar variation 1305973 (VCV001305973.2), dbSNP rs919667557, ClinGen allele CA376827071.